The following is an entry in ClinVar:

ClinVar aggregate classification (germline): Uncertain significance (1 of 4 stars; one submission).

Conditions:
Hereditary cancer-predisposing syndrome. Also called: Neoplastic Syndromes, Hereditary; Hereditary Cancer Syndrome; Tumor predisposition; Hereditary neoplastic syndrome. Identifiers: Orphanet 140162, MedGen C0027672, MeSH D009386, MONDO:0015356.

Submission:

Ambry Genetics
Classification: Uncertain significance for Hereditary cancer-predisposing syndrome. Last evaluated: 2025-01-14. Review status: criteria provided, single submitter. Criteria: Ambry Variant Classification Scheme 2023. Collection method: clinical testing. Allele origin: germline.
Comment: The p.D1693E variant (also known as c.5079C>G), located in coding exon 38 of the POLE gene, results from a C to G substitution at nucleotide position 5079. The aspartic acid at codon 1693 is replaced by glutamic acid, an amino acid with highly similar properties. This amino acid position is conserved. In addition, the in silico prediction for this alteration is inconclusive. Based on the available evidence, the clinical significance of this variant remains unclear.

NM_006231.4(POLE):c.5079C>G (p.Asp1693Glu)

Gene: POLE (DNA polymerase epsilon, catalytic subunit; minus strand). Cytogenetic location: 12q24.33.
Variant type: single nucleotide variant.
Coding change: c.5079C>G on transcript NM_006231.4 (MANE Select); coding-DNA position 5079, C replaced by G.
Protein change: p.Asp1693Glu; replaces aspartic acid 1693 with glutamic acid.
Molecular consequence: missense variant.
Genome position (GRCh38, 1-based): chr12:132,642,271, G>C on the plus strand (C>G on the coding strand, the complement: POLE is on the minus strand). VCF-style: chr12-132642271-G-C. GRCh37 (hg19) VCF-style: chr12-133218857-G-C.
Other names: short protein forms D1693E.
Identifiers: ClinVar variation 3781559 (VCV003781559.1).
Genomic context (GRCh38, chr12:132,642,271, plus strand): 5'-AGTGGCTTGGTCATCGAACTCCATGACAAGACAGTTGTCATCAGCCTCCTTTCCACCCAG[G>C]TCAGGGCGGGCTGTAGGGGACAGCCAGAGCAGGTGGTTGTGGCGCTGGAGGTGGCGGGCA-3'
Protein context (NP_006222.2, residues 1683-1703): LLWLSPTARP[Asp1693Glu]LGGKEADDNC